The following is an entry in ClinVar:

ClinVar aggregate classification (germline): Uncertain significance (1 of 4 stars; one submission).

Allele frequency attached by ClinVar (database versions not stated): gnomAD exomes below 0.00001.
gnomAD v4.1: 1 of 1,609,502 alleles (0.000062%); highest among the groups gnomAD compares: Non-Finnish European, 0.000085%; no homozygotes.

Submission:

Labcorp Genetics (formerly Invitae), Labcorp
Classification: Uncertain significance. Last evaluated: 2025-12-08. Review status: criteria provided, single submitter. Criteria: Invitae Variant Classification Sherloc (09022015). Collection method: clinical testing. Allele origin: germline.
Comment: This sequence change replaces serine, which is neutral and polar, with asparagine, which is neutral and polar, at codon 645 of the MPDZ protein (p.Ser645Asn). This variant is not present in population databases (gnomAD no frequency). This variant has not been reported in the literature in individuals affected with MPDZ-related conditions. ClinVar contains an entry for this variant (Variation ID: 1360609). An algorithm developed to predict the effect of missense changes on protein structure and function (PolyPhen-2) suggests that this variant is likely to be tolerated. In summary, the available evidence is currently insufficient to determine the role of this variant in disease. Therefore, it has been classified as a Variant of Uncertain Significance.

NM_001378778.1(MPDZ):c.1934G>A (p.Ser645Asn)

Gene: MPDZ (multiple PDZ domain crumbs cell polarity complex component; minus strand). Cytogenetic location: 9p23.
Variant type: single nucleotide variant.
Coding change: c.1934G>A on transcript NM_001378778.1 (MANE Select); coding-DNA position 1934, G replaced by A.
Protein change: p.Ser645Asn; replaces serine 645 with asparagine.
Molecular consequence: missense variant.
Genome position (GRCh38, 1-based): chr9:13,192,165, C>T on the plus strand (G>A on the coding strand, the complement: MPDZ is on the minus strand). VCF-style: chr9-13192165-C-T. GRCh37 (hg19) VCF-style: chr9-13192164-C-T.
Other names: c.1934G>A, p.Ser645Asn (NM_001261406.2, NM_001261407.2, NM_001330637.2 and 14 more transcripts); short protein forms S645N.
Identifiers: ClinVar variation 1360609 (VCV001360609.6), dbSNP rs2135062197, ClinGen allele CA372939183.